The following is an entry in ClinVar:

ClinVar aggregate classification (germline): Likely pathogenic. Review status: criteria provided, multiple submitters, no conflicts (2 of 4 stars). 2 submissions from 2 submitters: Likely pathogenic (2). Last evaluated 2024-08-29.

Conditions:
Dilated cardiomyopathy 1G (CMD1G). Identifiers: Orphanet 154, MedGen C1858763, MONDO:0011400, OMIM 604145.
Autosomal recessive limb-girdle muscular dystrophy type 2J (LGMDR10). Also called: Limb-girdle muscular dystrophy, type 2J; MUSCULAR DYSTROPHY, LIMB-GIRDLE, AUTOSOMAL RECESSIVE 10. Identifiers: Orphanet 140922, MedGen C1837342, MONDO:0012127, OMIM 608807.

Submissions (2):

GeneDx
Classification: Likely pathogenic. Last evaluated: 2024-08-29. Review status: criteria provided, single submitter. Criteria: GeneDx Variant Classification Process June 2021. Collection method: clinical testing. Allele origin: germline. Affected: yes.
Comment: Has not been previously published as pathogenic or benign to our knowledge; Not observed at significant frequency in large population cohorts (gnomAD); Frameshift variant predicted to result in protein truncation or nonsense mediated decay in a gene for which loss of function is a known mechanism of disease; Located in the A-band region of TTN in which the majority of loss of function variants have been associated with autosomal dominant titinopathies; This variant is associated with the following publications: (PMID: 17444505)

Labcorp Genetics (formerly Invitae), Labcorp
Classification: Likely pathogenic for Dilated cardiomyopathy 1G; Autosomal recessive limb-girdle muscular dystrophy type 2J. Last evaluated: 2024-05-27. Review status: criteria provided, single submitter. Criteria: Invitae Variant Classification Sherloc (09022015). Collection method: clinical testing. Allele origin: germline.
Comment: This sequence change creates a premature translational stop signal (p.Gly28122Glufs*52) in the TTN gene. While this is not anticipated to result in nonsense mediated decay, it is expected to create a truncated TTN protein. This variant is present in population databases (rs750146750, gnomAD 0.003%). This variant has not been reported in the literature in individuals affected with TTN-related conditions. ClinVar contains an entry for this variant (Variation ID: 419851). This variant is located in the A band of TTN (PMID: 25589632). Truncating variants in this region are significantly overrepresented in patients affected with dilated cardiomyopathy (PMID: 25589632). Truncating variants in this region have also been reported in individuals affected with autosomal recessive centronuclear myopathy (PMID: 23975875). In summary, the currently available evidence indicates that the variant is pathogenic, but additional data are needed to prove that conclusively. Therefore, this variant has been classified as Likely Pathogenic.

Literature cited by the submitters: PubMed 25589632 (cited by Labcorp Genetics (formerly Invitae), Labcorp); PubMed 23975875 (cited by Labcorp Genetics (formerly Invitae), Labcorp).

NM_001267550.2(TTN):c.84365del (p.Gly28122fs)

Genes: TTN (titin; minus strand), TTN-AS1 (TTN antisense RNA 1; plus strand). Cytogenetic location: 2q31.2.
Variant type: Deletion.
Coding change: c.84365del on transcript NM_001267550.2 (MANE Select); coding-DNA position 84365, one base deleted (G; older notation c.84365delG).
Protein change: p.Gly28122fs; shifts the reading frame from glycine 28122.
Molecular consequence: frameshift variant.
Genome position (GRCh38, 1-based): chr2:178,561,767, C deleted on the plus strand (G on the coding strand, the reverse complement: TTN is on the minus strand); the first of 2 consecutive C bases (chr2:178,561,767-178,561,768); deleting either gives the same sequence. VCF-style (leftmost placement, unchanged base first): chr2-178561766-TC-T. GRCh37 (hg19) VCF-style: chr2-179426493-TC-T.
Other names: c.79442del, p.Gly26481fs (NM_001256850.1); c.57170del, p.Gly19057fs (NM_003319.4); c.76661del, p.Gly25554fs (NM_133378.4); c.57545del, p.Gly19182fs (NM_133432.3); c.57746del, p.Gly19249fs (NM_133437.4); c.79442delG (NM_001256850.1); c.84365del (NM_001267550.1); short protein forms G19057fs, G26481fs, G28122fs, G19182fs, G19249fs, G25554fs.
Identifiers: ClinVar variation 419851 (VCV000419851.12), dbSNP rs750146750, ClinGen allele CA1988788.